The following is an entry in ClinVar:

ClinVar aggregate classification (germline): Uncertain significance (1 of 4 stars; one submission).

Submission:

GeneDx
Classification: Uncertain significance. Last evaluated: 2024-12-05. Review status: criteria provided, single submitter. Criteria: GeneDx Variant Classification Process June 2021. Collection method: clinical testing. Allele origin: germline. Affected: yes.
Comment: Not observed at significant frequency in large population cohorts (gnomAD); In silico analysis supports that this missense variant has a deleterious effect on protein structure/function; Has not been previously published as pathogenic or benign to our knowledge

NM_001197104.2(KMT2A):c.11624A>G (p.Glu3875Gly)

Genes: KMT2A (lysine methyltransferase 2A; plus strand), TTC36-AS1 (TTC36 and KMT2A antisense RNA 1; minus strand). Cytogenetic location: 11q23.3.
Variant type: single nucleotide variant.
Coding change: c.11624A>G on transcript NM_001197104.2 (MANE Select); coding-DNA position 11624, A replaced by G.
Protein change: p.Glu3875Gly; replaces glutamic acid 3875 with glycine.
Molecular consequence: missense variant.
Genome position (GRCh38, 1-based): chr11:118,521,398, A>G. VCF-style: chr11-118521398-A-G. GRCh37 (hg19) VCF-style: chr11-118392113-A-G.
Other names: c.11714A>G, p.Glu3905Gly (NM_001412597.1); c.11615A>G, p.Glu3872Gly (NM_005933.4); short protein forms E3872G, E3875G, E3905G.
Identifiers: ClinVar variation 3901318 (VCV003901318.1).
Genomic context (GRCh38, chr11:118,521,398, plus strand): 5'-GTGAGATGGTGATTGAGTATGCCGGCAACGTCATCCGCTCCATCCAGACTGACAAGCGGG[A>G]AAAGTATTACGACAGCAAGGTAAGTCTCCCACTTGCACTCACACAGTTCTTTTGTTTTGC-3'
Protein context (NP_001184033.1, residues 3865-3885): VIRSIQTDKR[Glu3875Gly]KYYDSKGIGC